The following is an entry in ClinVar:

ClinVar aggregate classification (germline): Uncertain significance (1 of 4 stars; one submission).

gnomAD v4.1: 28 of 1,614,184 alleles (0.0017%); highest among the groups gnomAD compares: Non-Finnish European, 0.0024%; no homozygotes.

Submission:

Labcorp Genetics (formerly Invitae), Labcorp
Classification: Uncertain significance. Last evaluated: 2024-04-22. Review status: criteria provided, single submitter. Criteria: Invitae Variant Classification Sherloc (09022015). Collection method: clinical testing. Allele origin: germline.
Comment: This sequence change replaces alanine, which is neutral and non-polar, with valine, which is neutral and non-polar, at codon 729 of the CACNA1D protein (p.Ala729Val). This variant is present in population databases (no rsID available, gnomAD 0.0009%). This variant has not been reported in the literature in individuals affected with CACNA1D-related conditions. Advanced modeling of protein sequence and biophysical properties (such as structural, functional, and spatial information, amino acid conservation, physicochemical variation, residue mobility, and thermodynamic stability) performed at Invitae indicates that this missense variant is not expected to disrupt CACNA1D protein function with a negative predictive value of 80%. In summary, the available evidence is currently insufficient to determine the role of this variant in disease. Therefore, it has been classified as a Variant of Uncertain Significance.

NM_001128840.3(CACNA1D):c.2126C>T (p.Ala709Val)

Gene: CACNA1D (calcium voltage-gated channel subunit alpha1 D; plus strand). Cytogenetic location: 3p21.1.
Variant type: single nucleotide variant.
Coding change: c.2126C>T on transcript NM_001128840.3 (MANE Select); coding-DNA position 2126, C replaced by T.
Protein change: p.Ala709Val; replaces alanine 709 with valine.
Molecular consequence: missense variant.
Genome position (GRCh38, 1-based): chr3:53,726,904, C>T. VCF-style: chr3-53726904-C-T. GRCh37 (hg19) VCF-style: chr3-53760931-C-T.
Other names: c.2186C>T, p.Ala729Val (NM_000720.4); c.2126C>T, p.Ala709Val (NM_001128839.3); short protein forms A709V, A729V.
Identifiers: ClinVar variation 3619805 (VCV003619805.2).